The following is an entry in ClinVar:

ClinVar aggregate classification (germline): Uncertain significance (1 of 4 stars; one submission).

Conditions:
Acute myeloid leukemia (AML). Also called: Acute myeloid leukemia, adult; AML adult; Acute non-lymphocytic leukemia; Acute granulocytic leukemia; Leukemia, acute myeloid, somatic; Leukemia, acute myelogenous, somatic. Identifiers: Orphanet 519, MedGen C0023467, MeSH D015470, MONDO:0018874, OMIM 601626, HP:0004808. Disease mechanism: Constitutively activated FLT3.

Allele frequency attached by ClinVar (database versions not stated): gnomAD exomes 0.00002.

Submission:

Labcorp Genetics (formerly Invitae), Labcorp
Classification: Uncertain significance for Acute myeloid leukemia. Last evaluated: 2019-04-28. Review status: criteria provided, single submitter. Criteria: Invitae Variant Classification Sherloc (09022015). Collection method: clinical testing. Allele origin: germline.
Comment: In summary, the available evidence is currently insufficient to determine the role of this variant in disease. Therefore, it has been classified as a Variant of Uncertain Significance. Algorithms developed to predict the effect of missense changes on protein structure and function output the following: SIFT: "Tolerated"; PolyPhen-2: "Benign"; Align-GVGD: "Class C0". The valine amino acid residue is found in multiple mammalian species, suggesting that this missense change does not adversely affect protein function. These predictions have not been confirmed by published functional studies and their clinical significance is uncertain. This variant has not been reported in the literature in individuals with CEBPA-related conditions. The frequency data for this variant in the population databases is considered unreliable, as metrics indicate insufficient coverage at this position in the ExAC database. This sequence change replaces alanine with valine at codon 152 of the CEBPA protein (p.Ala152Val). The alanine residue is weakly conserved and there is a small physicochemical difference between alanine and valine.

NM_004364.5(CEBPA):c.455C>T (p.Ala152Val)

Gene: CEBPA (CCAAT enhancer binding protein alpha; minus strand). Cytogenetic location: 19q13.11.
Variant type: single nucleotide variant.
Coding change: c.455C>T on transcript NM_004364.5 (MANE Select); coding-DNA position 455, C replaced by T.
Protein change: p.Ala152Val; replaces alanine 152 with valine.
Molecular consequence: missense variant.
Genome position (GRCh38, 1-based): chr19:33,301,960, G>A on the plus strand (C>T on the coding strand, the complement: CEBPA is on the minus strand). VCF-style: chr19-33301960-G-A. GRCh37 (hg19) VCF-style: chr19-33792866-G-A.
Other names: c.98C>T, p.Ala33Val (NM_001285829.2); c.560C>T, p.Ala187Val (NM_001287424.2); c.413C>T, p.Ala138Val (NM_001287435.2); short protein forms A138V, A187V, A152V, A33V.
Identifiers: ClinVar variation 848776 (VCV000848776.10), dbSNP rs1967183790, ClinGen allele CA405274915.